The following is an entry in ClinVar:

ClinVar aggregate classification (germline): Conflicting classifications of pathogenicity. Review status: criteria provided, conflicting classifications (1 of 4 stars). 3 submissions from 3 submitters: Uncertain significance (1); Benign (1); Likely benign (1). Last evaluated 2025-10-08.

Conditions:
Hereditary nonpolyposis colorectal neoplasms. Identifiers: MedGen C0009405, MeSH D003123.
Hereditary cancer-predisposing syndrome. Also called: Hereditary neoplastic syndrome; Neoplastic Syndromes, Hereditary; Tumor predisposition; Hereditary Cancer Syndrome. Identifiers: Orphanet 140162, MedGen C0027672, MeSH D009386, MONDO:0015356.
Lynch syndrome 4 (LYNCH4). Also called: Colorectal cancer, hereditary nonpolyposis, type 4; Hereditary non-polyposis colorectal cancer, type 4. Identifiers: Orphanet 144, MedGen C1838333, MONDO:0013699, OMIM 614337. Disease mechanism: loss of function.

Submissions (3):

Ambry Genetics
Classification: Uncertain significance for Hereditary cancer-predisposing syndrome. Last evaluated: 2025-10-08. Review status: criteria provided, single submitter. Criteria: Ambry Variant Classification Scheme 2023. Collection method: clinical testing. Allele origin: germline.
Comment: The c.1632C>T variant (also known as p.D544D), located in coding exon 11 of the PMS2 gene, results from a C to T substitution at nucleotide position 1632. This nucleotide substitution does not change the aspartic acid at codon 544. This nucleotide position is poorly conserved in available vertebrate species. In silico splice site analysis for this alteration is inconclusive. Based on the available evidence, the clinical significance of this variant remains unclear.

Myriad Genetics, Inc.
Classification: Benign for Lynch syndrome 4. Last evaluated: 2025-01-31. Review status: criteria provided, single submitter. Criteria: Myriad Autosomal Dominant, Autosomal Recessive and X-Linked Classification Criteria (2023). Collection method: clinical testing. Allele origin: unknown.
Comment: This variant is considered benign. This variant is a silent/synonymous amino acid change and it is not expected to impact splicing.

Labcorp Genetics (formerly Invitae), Labcorp
Classification: Likely benign for Hereditary nonpolyposis colorectal neoplasms. Last evaluated: 2023-02-28. Review status: criteria provided, single submitter. Criteria: Invitae Variant Classification Sherloc (09022015). Collection method: clinical testing. Allele origin: germline.

NM_000535.7(PMS2):c.1632C>T (p.Asp544=)

Gene: PMS2 (PMS1 homolog 2, mismatch repair system component; minus strand). Cytogenetic location: 7p22.1.
Variant type: single nucleotide variant.
Coding change: c.1632C>T on transcript NM_000535.7 (MANE Select); coding-DNA position 1632, C replaced by T.
Protein change: p.Asp544=; no amino-acid change (aspartic acid 544 retained).
Molecular consequence: synonymous variant. On other transcripts: non-coding transcript variant (1).
Genome position (GRCh38, 1-based): chr7:5,987,133, G>A on the plus strand (C>T on the coding strand, the complement: PMS2 is on the minus strand). VCF-style: chr7-5987133-G-A. GRCh37 (hg19) VCF-style: chr7-6026764-G-A.
Other names: c.1227C>T, p.Asp409= (NM_001322003.2, NM_001322004.2, NM_001322005.2 and 1 more transcripts); c.1476C>T, p.Asp492= (NM_001322006.2); c.1314C>T, p.Asp438= (NM_001322007.2, NM_001322008.2); c.1071C>T, p.Asp357= (NM_001322010.2); c.699C>T, p.Asp233= (NM_001322011.2, NM_001322012.2); c.1059C>T, p.Asp353= (NM_001322013.2); c.1632C>T, p.Asp544= (NM_001322014.2); c.1323C>T, p.Asp441= (NM_001322015.2).
Identifiers: ClinVar variation 215753 (VCV000215753.15), dbSNP rs786203439, ClinGen allele CA339583.